The following is an entry in ClinVar:

NM_001130987.2(DYSF):c.3859del (p.Glu1287fs)

Gene: DYSF (dysferlin; plus strand). Cytogenetic location: 2p13.2.
Variant type: Deletion.
Coding change: c.3859del on transcript NM_001130987.2 (MANE Select); coding-DNA position 3859, one base deleted (G; older notation c.3859delG).
Protein change: p.Glu1287fs; shifts the reading frame from glutamic acid 1287.
Molecular consequence: frameshift variant.
Genome position (GRCh38, 1-based): chr2:71,600,804, G deleted; the last of 5 consecutive G bases (chr2:71,600,800-71,600,804); deleting any one gives the same sequence. VCF-style (leftmost placement, unchanged base first): chr2-71600799-CG-C. GRCh37 (hg19) VCF-style: chr2-71827929-CG-C.
Other names: c.3808del, p.Glu1270fs (NM_001130455.2, NM_001130983.2); c.3763del, p.Glu1255fs (NM_001130976.2, NM_001130977.2); c.3805del, p.Glu1269fs (NM_001130978.2, NM_003494.4); c.3898del, p.Glu1300fs (NM_001130979.2); c.3856del, p.Glu1286fs (NM_001130980.2, NM_001130981.2); c.3901del, p.Glu1301fs (NM_001130982.2); c.3766del, p.Glu1256fs (NM_001130984.2, NM_001130986.2); c.3859del, p.Glu1287fs (NM_001130985.2); short protein forms E1255fs, E1286fs, E1300fs, E1301fs, E1256fs, E1270fs, E1269fs, E1287fs.
Identifiers: ClinVar variation 3020484 (VCV003020484.4), dbSNP rs779407815, ClinGen allele CA533262777.
Genomic context (GRCh38, chr2:71,600,799, plus strand): 5'-CGAGTCTGGAACGGATGCCACGGCTGGCCTGGTTCCCACTGACGAGGGGCAGCCAGCCGT[CG>C]GGGGAGCTGCTGGCCTCTTTTGAGCTCATCCAGAGAGAGAAGGTGAGGCTGGTCTATATC-3'

ClinVar aggregate classification (germline): Pathogenic. Review status: criteria provided, multiple submitters, no conflicts (2 of 4 stars). 2 submissions from 2 submitters: Pathogenic (2). Last evaluated 2024-02-23.

Conditions:
Autosomal recessive limb-girdle muscular dystrophy. Identifiers: Orphanet 102015, MedGen C2931907, MONDO:0015152.
Neuromuscular disease caused by qualitative or quantitative defects of dysferlin. Also called: Qualitative or quantitative defects of dysferlin; Dysferlinopathy. Identifiers: Orphanet 207073, MedGen C2931687, MONDO:0016145.

Submissions (2):

Myriad Genetics, Inc.
Classification: Pathogenic for Autosomal recessive limb-girdle muscular dystrophy. Last evaluated: 2024-02-23. Review status: criteria provided, single submitter. Criteria: Myriad Autosomal Dominant, Autosomal Recessive and X-Linked Classification Criteria (2023). Collection method: clinical testing. Allele origin: unknown.
Comment: NM_003494.3(DYSF):c.3805delG(E1269Sfs*76) is expected to be pathogenic in the context of dysferlinopathy. This variant is predicted to lead to an abnormal or absent protein product due to the creation of a premature termination codon in DYSF, a gene where loss-of-function variants are known to be pathogenic. Please note: this variant was assessed in the context of healthy population screening.

Labcorp Genetics (formerly Invitae), Labcorp
Classification: Pathogenic for Neuromuscular disease caused by qualitative or quantitative defects of dysferlin. Last evaluated: 2024-01-11. Review status: criteria provided, single submitter. Criteria: Invitae Variant Classification Sherloc (09022015). Collection method: clinical testing. Allele origin: germline.
Comment: This sequence change creates a premature translational stop signal (p.Glu1269Serfs*76) in the DYSF gene. It is expected to result in an absent or disrupted protein product. Loss-of-function variants in DYSF are known to be pathogenic (PMID: 17698709, 20301480). The frequency data for this variant in the population databases is considered unreliable, as metrics indicate poor data quality at this position in the gnomAD database. This variant has not been reported in the literature in individuals affected with DYSF-related conditions. For these reasons, this variant has been classified as Pathogenic.

Literature cited by the submitters: PubMed 17698709 (cited by Labcorp Genetics (formerly Invitae), Labcorp); PubMed 20301480 (cited by Labcorp Genetics (formerly Invitae), Labcorp).